The following is an entry in ClinVar:

NM_001558.4(IL10RA):c.1023C>A (p.His341Gln)

Gene: IL10RA (interleukin 10 receptor subunit alpha; plus strand). Cytogenetic location: 11q23.3.
Variant type: single nucleotide variant.
Coding change: c.1023C>A on transcript NM_001558.4 (MANE Select); coding-DNA position 1023, C replaced by A.
Protein change: p.His341Gln; replaces histidine 341 with glutamine.
Molecular consequence: missense variant. On other transcripts: non-coding transcript variant (1).
Genome position (GRCh38, 1-based): chr11:117,998,927, C>A. VCF-style: chr11-117998927-C-A. GRCh37 (hg19) VCF-style: chr11-117869642-C-A.
Other names: short protein forms H341Q.
Identifiers: ClinVar variation 569202 (VCV000569202.16), dbSNP rs369418818, ClinGen allele CA6299103.

ClinVar aggregate classification (germline): Uncertain significance. Review status: criteria provided, multiple submitters, no conflicts (2 of 4 stars). 5 submissions from 5 submitters: Uncertain significance (5). Last evaluated 2025-12-01.

Conditions:
Inborn genetic diseases. Identifiers: MedGen C0950123, MeSH D030342.
IL10RA-related disorder. Also called: IL10RA-related condition.
Inflammatory bowel disease 28. Also called: Inflammatory bowel disease 28, early onset, autosomal recessive. Identifiers: Orphanet 238569, MedGen C2751053, MONDO:0013153, OMIM 613148.

Allele frequency attached by ClinVar (database versions not stated): gnomAD 0.00009; gnomAD exomes 0.00010; ExAC 0.00012; TOPMed 0.00014; ESP Exome Variant Server 0.00031.

Submissions (5):

Labcorp Genetics (formerly Invitae), Labcorp
Classification: Uncertain significance for Inflammatory bowel disease 28. Last evaluated: 2025-12-01. Review status: criteria provided, single submitter. Criteria: Invitae Variant Classification Sherloc (09022015). Collection method: clinical testing. Allele origin: germline.
Comment: This sequence change replaces histidine, which is basic and polar, with glutamine, which is neutral and polar, at codon 341 of the IL10RA protein (p.His341Gln). This variant is present in population databases (rs369418818, gnomAD 0.02%). This variant has not been reported in the literature in individuals affected with IL10RA-related conditions. ClinVar contains an entry for this variant (Variation ID: 569202). Invitae Evidence Modeling of protein sequence and biophysical properties (such as structural, functional, and spatial information, amino acid conservation, physicochemical variation, residue mobility, and thermodynamic stability) indicates that this missense variant is not expected to disrupt IL10RA protein function with a negative predictive value of 80%. In summary, the available evidence is currently insufficient to determine the role of this variant in disease. Therefore, it has been classified as a Variant of Uncertain Significance.

Ambry Genetics
Classification: Uncertain significance for Inborn genetic diseases. Last evaluated: 2025-08-01. Review status: criteria provided, single submitter. Criteria: Ambry Variant Classification Scheme 2023. Collection method: clinical testing. Allele origin: germline.

PreventionGenetics, part of Exact Sciences
Classification: Uncertain significance for IL10RA-related condition. Last evaluated: 2023-09-08. Review status: criteria provided, single submitter. Criteria: ACMG Guidelines, 2015. Collection method: clinical testing. Allele origin: germline.
Comment: The IL10RA c.1023C>A variant is predicted to result in the amino acid substitution p.His341Gln. To our knowledge, this variant has not been reported in the literature. This variant is reported in 0.020% of alleles in individuals of European (Non-Finnish) descent in gnomAD. At this time, the clinical significance of this variant is uncertain due to the absence of conclusive functional and genetic evidence.

Illumina Laboratory Services, Illumina
Classification: Uncertain significance for Inflammatory bowel disease 28. Last evaluated: 2018-01-13. Review status: criteria provided, single submitter. Criteria: ICSL Variant Classification Criteria 13 December 2019. Collection method: clinical testing. Allele origin: germline.

Breakthrough Genomics
Classification: Uncertain significance. Review status: criteria provided, single submitter. Criteria: ACMG Guidelines, 2015. Collection method: not provided. Allele origin: germline. Inheritance: Autosomal recessive inheritance. Affected: yes.